The following is an entry in ClinVar:

NM_000132.4(F8):c.1904-2A>G

Gene: F8 (coagulation factor VIII; minus strand). Cytogenetic location: Xq28.
Variant type: single nucleotide variant.
Coding change: c.1904-2A>G on transcript NM_000132.4 (MANE Select); the canonical splice acceptor site of the intron before coding-DNA position 1904, A replaced by G.
Molecular consequence: splice acceptor variant.
Genome position (GRCh38, 1-based): chrX:154,947,909, T>C on the plus strand (A>G on the coding strand, the complement: F8 is on the minus strand). VCF-style: chrX-154947909-T-C. GRCh37 (hg19) VCF-style: chrX-154176184-T-C.
Identifiers: ClinVar variation 2627426 (VCV002627426.1), dbSNP rs2523933192, ClinGen allele CA414909920.

ClinVar aggregate classification (germline): Likely pathogenic (1 of 4 stars; one submission).

Conditions:
Hereditary factor VIII deficiency disease (HEMA). Also called: HEMOPHILIA, CLASSIC; AUTOSOMAL HEMOPHILIA A; Hemophilia A; Hemophilia A, congenital; HEM A; Factor 8 deficiency, congenital. Identifiers: Orphanet 98878, MedGen C0019069, MONDO:0010602, OMIM 306700.

Submission:

Neuberg Centre For Genomic Medicine, NCGM
Classification: Likely pathogenic for Hereditary factor VIII deficiency disease. Review status: criteria provided, single submitter. Criteria: ACMG Guidelines, 2015. Collection method: clinical testing. Allele origin: germline. Inheritance: X-linked recessive inheritance. Affected: yes.
Comment: The splice acceptor variant c.1904-2A>G in F8 (NM_000132.4) has not been reported previously as a pathogenic variant nor as a benign variant, to our knowledge. The c.1904-2A>G variant is novel (not in any individuals) in gnomAD Exomes and is novel (not in any individuals) in 1000 Genomes. This variant affects an invariant splice nucleotide and hence is predicted to cause protein truncation. For these reasons, this variant has been classified as Likely Pathogenic.